The following is an entry in ClinVar:

NM_020381.4(PDSS2):c.76T>G (p.Ser26Ala)

Gene: PDSS2 (decaprenyl diphosphate synthase subunit 2; minus strand). Cytogenetic location: 6q21.
Variant type: single nucleotide variant.
Coding change: c.76T>G on transcript NM_020381.4 (MANE Select); coding-DNA position 76, T replaced by G.
Protein change: p.Ser26Ala; replaces serine 26 with alanine.
Molecular consequence: missense variant.
Genome position (GRCh38, 1-based): chr6:107,459,210, A>C on the plus strand (T>G on the coding strand, the complement: PDSS2 is on the minus strand). VCF-style: chr6-107459210-A-C. GRCh37 (hg19) VCF-style: chr6-107780414-A-C.
Other names: short protein forms S26A.
Identifiers: ClinVar variation 1902462 (VCV001902462.6), dbSNP rs1356132916, ClinGen allele CA365326158.

ClinVar aggregate classification (germline): Uncertain significance. Review status: criteria provided, multiple submitters, no conflicts (2 of 4 stars). 2 submissions from 2 submitters: Uncertain significance (2). Last evaluated 2026-01-19.

Conditions:
Coenzyme Q10 deficiency, primary, 3 (COQ10D3). Identifiers: Orphanet 255249, MedGen C3553358, MONDO:0013838, OMIM 614652.

Allele frequency attached by ClinVar (database versions not stated): TOPMed below 0.00001.

Submissions (2):

Labcorp Genetics (formerly Invitae), Labcorp
Classification: Uncertain significance. Last evaluated: 2026-01-19. Review status: criteria provided, single submitter. Criteria: Invitae Variant Classification Sherloc (09022015). Collection method: clinical testing. Allele origin: germline.
Comment: This sequence change replaces serine, which is neutral and polar, with alanine, which is neutral and non-polar, at codon 26 of the PDSS2 protein (p.Ser26Ala). This variant is not present in population databases (gnomAD no frequency). This variant has not been reported in the literature in individuals affected with PDSS2-related conditions. ClinVar contains an entry for this variant (Variation ID: 1902462). An algorithm developed to predict the effect of missense changes on protein structure and function (PolyPhen-2) suggests that this variant is likely to be tolerated. In summary, the available evidence is currently insufficient to determine the role of this variant in disease. Therefore, it has been classified as a Variant of Uncertain Significance.

Fulgent Genetics
Classification: Uncertain significance for Coenzyme Q10 deficiency, primary, 3. Last evaluated: 2024-05-16. Review status: criteria provided, single submitter. Criteria: ACMG Guidelines, 2015. Collection method: clinical testing. Allele origin: germline.